The following is an entry in ClinVar:

ClinVar aggregate classification (germline): Uncertain significance (1 of 4 stars; one submission).

Conditions:
Periodic fever-infantile enterocolitis-autoinflammatory syndrome. Also called: Autoinflammation with infantile enterocolitis. Identifiers: Orphanet 436166, MedGen C4015067, MONDO:0014472, OMIM 616050.
Familial cold autoinflammatory syndrome 4 (FCAS4). Identifiers: Orphanet 47045, Orphanet 576349, MedGen C4015276, MONDO:0014498, OMIM 616115.

Submission:

Labcorp Genetics (formerly Invitae), Labcorp
Classification: Uncertain significance for Periodic fever-infantile enterocolitis-autoinflammatory syndrome; Familial cold autoinflammatory syndrome 4. Last evaluated: 2025-04-10. Review status: criteria provided, single submitter. Criteria: Invitae Variant Classification Sherloc (09022015). Collection method: clinical testing. Allele origin: germline.
Comment: This sequence change replaces leucine, which is neutral and non-polar, with arginine, which is basic and polar, at codon 768 of the NLRC4 protein (p.Leu768Arg). This variant is not present in population databases (gnomAD no frequency). This variant has not been reported in the literature in individuals affected with NLRC4-related conditions. Invitae Evidence Modeling of protein sequence and biophysical properties (such as structural, functional, and spatial information, amino acid conservation, physicochemical variation, residue mobility, and thermodynamic stability) indicates that this missense variant is expected to disrupt NLRC4 protein function with a positive predictive value of 80%. In summary, the available evidence is currently insufficient to determine the role of this variant in disease. Therefore, it has been classified as a Variant of Uncertain Significance.

NM_001199138.2(NLRC4):c.2303T>G (p.Leu768Arg)

Gene: NLRC4 (NLR family CARD domain containing 4; minus strand). Cytogenetic location: 2p22.3.
Variant type: single nucleotide variant.
Coding change: c.2303T>G on transcript NM_001199138.2 (MANE Select); coding-DNA position 2303, T replaced by G.
Protein change: p.Leu768Arg; replaces leucine 768 with arginine.
Molecular consequence: missense variant.
Genome position (GRCh38, 1-based): chr2:32,241,080, A>C on the plus strand (T>G on the coding strand, the complement: NLRC4 is on the minus strand). VCF-style: chr2-32241080-A-C. GRCh37 (hg19) VCF-style: chr2-32466149-A-C.
Other names: c.2303T>G, p.Leu768Arg (NM_001199139.2, NM_021209.5); c.308T>G, p.Leu103Arg (NM_001302504.2); short protein forms L103R, L768R.
Identifiers: ClinVar variation 4783305 (VCV004783305.1).